The following is an entry in ClinVar:

NM_017636.4(TRPM4):c.2621G>A (p.Cys874Tyr)

Gene: TRPM4 (transient receptor potential cation channel subfamily M member 4; plus strand). Cytogenetic location: 19q13.33.
Variant type: single nucleotide variant.
Coding change: c.2621G>A on transcript NM_017636.4 (MANE Select); coding-DNA position 2621, G replaced by A.
Protein change: p.Cys874Tyr; replaces cysteine 874 with tyrosine.
Molecular consequence: missense variant. On other transcripts: intron variant (1).
Genome position (GRCh38, 1-based): chr19:49,196,850, G>A. VCF-style: chr19-49196850-G-A. GRCh37 (hg19) VCF-style: chr19-49700107-G-A.
Other names: c.2276G>A, p.Cys759Tyr (NM_001321281.2); c.1013G>A, p.Cys338Tyr (NM_001321282.2); c.2099G>A, p.Cys700Tyr (NM_001321283.2); c.1559G>A, p.Cys520Tyr (NM_001321285.2); c.2211-3450G>A (NM_001195227.2); short protein forms C520Y, C338Y, C759Y, C874Y, C700Y.
Identifiers: ClinVar variation 1793957 (VCV001793957.2), dbSNP rs2514181112, ClinGen allele CA406809592.

ClinVar aggregate classification (germline): Uncertain significance (1 of 4 stars; one submission).

Conditions:
Cardiovascular phenotype. Identifiers: MedGen CN230736.

Allele frequency attached by ClinVar (database versions not stated): gnomAD exomes below 0.00001.

Submission:

Ambry Genetics
Classification: Uncertain significance for Cardiovascular phenotype. Last evaluated: 2021-10-06. Review status: criteria provided, single submitter. Criteria: Ambry Variant Classification Scheme 2023. Collection method: clinical testing. Allele origin: germline.
Comment: The p.C874Y variant (also known as c.2621G>A), located in coding exon 17 of the TRPM4 gene, results from a G to A substitution at nucleotide position 2621. The cysteine at codon 874 is replaced by tyrosine, an amino acid with highly dissimilar properties. This amino acid position is conserved. In addition, this alteration is predicted to be tolerated by in silico analysis. Since supporting evidence is limited at this time, the clinical significance of this alteration remains unclear.